The following is an entry in ClinVar:

NM_001384732.1(CPLANE1):c.7378C>T (p.Gln2460Ter)

Gene: CPLANE1 (ciliogenesis and planar polarity effector complex subunit 1; minus strand). Cytogenetic location: 5p13.2.
Variant type: single nucleotide variant.
Coding change: c.7378C>T on transcript NM_001384732.1 (MANE Select); coding-DNA position 7378, C replaced by T.
Protein change: p.Gln2460Ter; replaces glutamine 2460 with a stop codon.
Molecular consequence: nonsense.
Genome position (GRCh38, 1-based): chr5:37,167,069, G>A on the plus strand (C>T on the coding strand, the complement: CPLANE1 is on the minus strand). VCF-style: chr5-37167069-G-A. GRCh37 (hg19) VCF-style: chr5-37167171-G-A.
Other names: c.7378C>T, p.Gln2460Ter (NM_023073.4); short protein forms Q2460*.
Identifiers: ClinVar variation 1805055 (VCV001805055.1), dbSNP rs1778446608, ClinGen allele CA359476894.

ClinVar aggregate classification (germline): Pathogenic (1 of 4 stars; one submission).

Conditions:
Joubert syndrome 17 (JBTS17). Identifiers: Orphanet 475, MedGen C3553264, MONDO:0013824, OMIM 614615.

Allele frequency attached by ClinVar (database versions not stated): TOPMed below 0.00001.

Submission:

Victorian Clinical Genetics Services, Murdoch Childrens Research Institute
Classification: Pathogenic for Joubert syndrome 17. Last evaluated: 2022-02-02. Review status: criteria provided, single submitter. Criteria: ACMG Guidelines, 2015. Collection method: clinical testing. Allele origin: germline. Inheritance: Autosomal recessive inheritance. Affected: yes.
Comment: Based on the classification scheme VCGS_Germline_v1.3.4, this variant is classified as Pathogenic. Following criteria are met: 0102 - Loss of function is a known mechanism of disease in this gene and is associated with Joubert syndrome 17 (MIM#614615) and orofaciodigital syndrome VI (MIM#277170). (I) 0106 - This gene is associated with autosomal recessive disease. (I) 0201 - Variant is predicted to cause nonsense-mediated decay (NMD) and loss of protein (premature termination codon is located at least 54 nucleotides upstream of the final exon-exon junction). (SP) 0252 - This variant is homozygous. (I) 0301 - Variant is absent from gnomAD (both v2 and v3). (SP) 0701 - Other NMD-predicted variants comparable to the one identified in this case have very strong previous evidence for pathogenicity (ClinVar). (SP) 0807 - This variant has no previous evidence of pathogenicity. (I) 0905 - No published segregation evidence has been identified for this variant. (I) 1007 - No published functional evidence has been identified for this variant. (I) Legend: (SP) - Supporting pathogenic, (I) - Information, (SB) - Supporting benign